The following is an entry in ClinVar:

ClinVar aggregate classification (germline): Uncertain significance. Review status: criteria provided, multiple submitters, no conflicts (2 of 4 stars). 2 submissions from 2 submitters: Uncertain significance (2). Last evaluated 2025-06-19.

Conditions:
Inborn genetic diseases. Identifiers: MedGen C0950123, MeSH D030342.

Allele frequency attached by ClinVar (database versions not stated): gnomAD 0.00001; gnomAD exomes 0.00001; TOPMed 0.00001; ExAC 0.00005; 1000 Genomes Project 30x 0.00016; 1000 Genomes Project 0.00020.
gnomAD v4.1: 17 of 1,614,024 alleles (0.0011%); highest among the groups gnomAD compares: South Asian, 0.0044%; no homozygotes.

Submissions (2):

Ambry Genetics
Classification: Uncertain significance for Inborn genetic diseases. Last evaluated: 2025-06-19. Review status: criteria provided, single submitter. Criteria: Ambry Variant Classification Scheme 2023. Collection method: clinical testing. Allele origin: germline.

Labcorp Genetics (formerly Invitae), Labcorp
Classification: Uncertain significance. Last evaluated: 2025-01-06. Review status: criteria provided, single submitter. Criteria: Invitae Variant Classification Sherloc (09022015). Collection method: clinical testing. Allele origin: germline.
Comment: This sequence change replaces aspartic acid, which is acidic and polar, with asparagine, which is neutral and polar, at codon 146 of the AIMP1 protein (p.Asp146Asn). This variant is present in population databases (rs528926697, gnomAD 0.01%). This variant has not been reported in the literature in individuals affected with AIMP1-related conditions. ClinVar contains an entry for this variant (Variation ID: 2064367). An algorithm developed to predict the effect of missense changes on protein structure and function (PolyPhen-2) suggests that this variant¬†is likely to be tolerated. In summary, the available evidence is currently insufficient to determine the role of this variant in disease. Therefore, it has been classified as a Variant of Uncertain Significance.

NM_001142416.2(AIMP1):c.436G>A (p.Asp146Asn)

Gene: AIMP1 (aminoacyl tRNA synthetase complex interacting multifunctional protein 1; plus strand). Cytogenetic location: 4q24.
Variant type: single nucleotide variant.
Coding change: c.436G>A on transcript NM_001142416.2 (MANE Select); coding-DNA position 436, G replaced by A.
Protein change: p.Asp146Asn; replaces aspartic acid 146 with asparagine.
Molecular consequence: missense variant.
Genome position (GRCh38, 1-based): chr4:106,331,716, G>A. VCF-style: chr4-106331716-G-A. GRCh37 (hg19) VCF-style: chr4-107252873-G-A.
Other names: c.436G>A (NM_004757.3); c.436G>A, p.Asp146Asn (NM_001142415.2, NM_004757.4); short protein forms D146N.
Identifiers: ClinVar variation 2064367 (VCV002064367.4), dbSNP rs528926697, ClinGen allele CA3035728.